The following is an entry in ClinVar:

NM_003239.5(TGFB3):c.705T>G (p.Asn235Lys)

Gene: TGFB3 (transforming growth factor beta 3; minus strand). Cytogenetic location: 14q24.3.
Variant type: single nucleotide variant.
Coding change: c.705T>G on transcript NM_003239.5 (MANE Select); coding-DNA position 705, T replaced by G.
Protein change: p.Asn235Lys; replaces asparagine 235 with lysine.
Molecular consequence: missense variant.
Genome position (GRCh38, 1-based): chr14:75,965,637, A>C on the plus strand (T>G on the coding strand, the complement: TGFB3 is on the minus strand). VCF-style: chr14-75965637-A-C. GRCh37 (hg19) VCF-style: chr14-76431980-A-C.
Other names: c.705T>G, p.Asn235Lys (NM_001329938.2, NM_001329939.2); short protein forms N235K.
Identifiers: ClinVar variation 2890097 (VCV002890097.2), dbSNP rs2504102935, ClinGen allele CA390468911.
Genomic context (GRCh38, chr14:75,965,637, plus strand): 5'-CATTTTGTTACCTTTGAATTTGATTTCCATCACCTCGTGAATGTTTTCCAGGATATCTCC[A>C]TTGGGCTGAAAGGTGTGACATGGACAGTGAATGCTGATTTCTAGACCTAAGTTGGACTCT-3'
Protein context (NP_003230.1, residues 225-245): IHCPCHTFQP[Asn235Lys]GDILENIHEV

ClinVar aggregate classification (germline): Uncertain significance. Review status: criteria provided, multiple submitters, no conflicts (2 of 4 stars). 2 submissions from 2 submitters: Uncertain significance (2). Last evaluated 2025-08-14.

Conditions:
Rienhoff syndrome. Also called: LOEYS-DIETZ SYNDROME 5. Identifiers: MedGen C3810012, MONDO:0014262, OMIM 615582.

Submissions (2):

GeneDx
Classification: Uncertain significance. Last evaluated: 2025-08-14. Review status: criteria provided, single submitter. Criteria: GeneDx Variant Classification Process June 2021. Collection method: clinical testing. Allele origin: germline. Affected: yes.
Comment: Not observed at significant frequency in large population cohorts (gnomAD); In silico analysis suggests that this missense variant does not alter protein structure/function; Has not been previously published as pathogenic or benign to our knowledge

Labcorp Genetics (formerly Invitae), Labcorp
Classification: Uncertain significance for Rienhoff syndrome. Last evaluated: 2023-11-28. Review status: criteria provided, single submitter. Criteria: Invitae Variant Classification Sherloc (09022015). Collection method: clinical testing. Allele origin: germline.
Comment: This sequence change replaces asparagine, which is neutral and polar, with lysine, which is basic and polar, at codon 235 of the TGFB3 protein (p.Asn235Lys). This variant is not present in population databases (gnomAD no frequency). This variant has not been reported in the literature in individuals affected with TGFB3-related conditions. An algorithm developed to predict the effect of missense changes on protein structure and function (PolyPhen-2) suggests that this variant is likely to be disruptive. In summary, the available evidence is currently insufficient to determine the role of this variant in disease. Therefore, it has been classified as a Variant of Uncertain Significance.